The following is an entry in ClinVar:

ClinVar aggregate classification (germline): Conflicting classifications of pathogenicity. Review status: criteria provided, conflicting classifications (1 of 4 stars). 2 submissions from 2 submitters: Likely pathogenic (1); Uncertain significance (1). Last evaluated 2023-08-29.

Conditions:
Autosomal recessive Alport syndrome (ATS2). Also called: COL4A3-Related Nephropathy; ALPORT SYNDROME 2, AUTOSOMAL RECESSIVE; Alport syndrome type 2; COL4A4 Alport Syndrome and Thin Basement Membrane Nephropathy. Identifiers: Orphanet 63, Orphanet 88919, MedGen C4746745, MONDO:0008762, OMIM 203780.

Allele frequency attached by ClinVar (database versions not stated): gnomAD exomes below 0.00001.
gnomAD v4.1: 1 of 1,614,056 alleles (0.000062%); highest among the groups gnomAD compares: Non-Finnish European, 0.000085%; no homozygotes.

Submissions (2):

Women's Health and Genetics/Laboratory Corporation of America, LabCorp
Classification: Uncertain significance. Last evaluated: 2023-08-29. Review status: criteria provided, single submitter. Criteria: LabCorp Variant Classification Summary - May 2015. Collection method: clinical testing. Allele origin: germline.
Comment: Variant summary: COL4A3 c.4732T>C (p.Trp1578Arg) results in a non-conservative amino acid change located in the Collagen IV, non-collagenous domain (IPR001442) of the encoded protein sequence. Five of five in-silico tools predict a damaging effect of the variant on protein function. The variant was absent in 249254 control chromosomes (gnomAD). The available data on variant occurrences in the general population are insufficient to allow any conclusion about variant significance. c.4732T>C has been reported in the literature in an individual affected with Alport Syndrome, Autosomal Recessive (example: Domingo-Gallego_2022). These data do not allow any conclusion about variant significance. To our knowledge, no experimental evidence demonstrating an impact on protein function has been reported. The following publication has been ascertained in the context of this evaluation (PMID: 33532864). One submitter has cited clinical-significance assessments for this variant to ClinVar after 2014 and has classified the variant as likely pathogenic. Based on the evidence outlined above, the variant was classified as uncertain significance.

Molecular Biology Laboratory, Fundació Puigvert
Classification: Likely pathogenic for Autosomal recessive Alport syndrome. Last evaluated: 2020-02-01. Review status: criteria provided, single submitter. Criteria: ACMG Guidelines, 2015. Collection method: research. Allele origin: germline. Affected: yes. Study: KidneyPanel_2020.

Literature cited by the submitters: PubMed 33532864 (cited by Women's Health and Genetics/Laboratory Corporation of America, LabCorp and Molecular Biology Laboratory, Fundació Puigvert).

NM_000091.5(COL4A3):c.4732T>C (p.Trp1578Arg)

Genes: COL4A3 (collagen type IV alpha 3 chain; plus strand), MFF-DT (MFF divergent transcript; minus strand). Cytogenetic location: 2q36.3.
Variant type: single nucleotide variant.
Coding change: c.4732T>C on transcript NM_000091.5 (MANE Select); coding-DNA position 4732, T replaced by C.
Protein change: p.Trp1578Arg; replaces tryptophan 1578 with arginine.
Molecular consequence: missense variant.
Genome position (GRCh38, 1-based): chr2:227,309,295, T>C. VCF-style: chr2-227309295-T-C. GRCh37 (hg19) VCF-style: chr2-228174011-T-C.
Other names: c.4732T>C (NM_000091.4); short protein forms W1578R.
Identifiers: ClinVar variation 974508 (VCV000974508.2), dbSNP rs2073646176, ClinGen allele CA350865778.
Genomic context (GRCh38, chr2:227,309,295, plus strand): 5'-ATAGCCGTTCACAGCCAAACCACTGACATTCCTCCATGTCCTCACGGCTGGATTTCTCTC[T>C]GGAAAGGATTTTCATTCATCATGGTGAGGAGAAAAGGAACAGGAGGTTTAGGGTAAAGAC-3'
Protein context (NP_000082.2, residues 1568-1588): PPCPHGWISL[Trp1578Arg]KGFSFIMFTS